The following is an entry in ClinVar:

NM_006086.4(TUBB3):c.523G>C (p.Val175Leu)

Gene: TUBB3 (tubulin beta 3 class III; plus strand). Cytogenetic location: 16q24.3.
Variant type: single nucleotide variant.
Coding change: c.523G>C on transcript NM_006086.4 (MANE Select); coding-DNA position 523, G replaced by C.
Protein change: p.Val175Leu; replaces valine 175 with leucine.
Molecular consequence: missense variant.
Genome position (GRCh38, 1-based): chr16:89,934,974, G>C. VCF-style: chr16-89934974-G-C. GRCh37 (hg19) VCF-style: chr16-90001382-G-C.
Other names: c.307G>C, p.Val103Leu (NM_001197181.2); short protein forms V103L, V175L.
Identifiers: ClinVar variation 520851 (VCV000520851.6), dbSNP rs1555625571, ClinGen allele CA397474753.

ClinVar aggregate classification (germline): Pathogenic/Likely pathogenic. Review status: criteria provided, multiple submitters, no conflicts (2 of 4 stars). 2 submissions from 2 submitters: Pathogenic (1); Likely pathogenic (1). Last evaluated 2015-12-03.

Conditions:
Complex cortical dysplasia with other brain malformations 1. Identifiers: Orphanet 300570, MedGen C3808397, MONDO:0013541, OMIM 614039.
Fibrosis of extraocular muscles, congenital, 3A, with or without extraocular involvement. Also called: FEOM3 LOCUS; CONGENITAL FIBROSIS OF EXTRAOCULAR MUSCLES 3A. Identifiers: MedGen C2748801, MONDO:0010912, OMIM 600638.
Inborn genetic diseases. Identifiers: MedGen C0950123, MeSH D030342.

Submissions (2):

Ambry Genetics
Classification: Pathogenic for Inborn genetic diseases. Last evaluated: 2015-12-03. Review status: criteria provided, single submitter. Criteria: Ambry exome assertion method (8-5-2015). Collection method: clinical testing. Allele origin: germline. Affected: yes. Observed: 1 variant allele.

Juno Genomics, Hangzhou Juno Genomics, Inc
Classification: Likely pathogenic for Complex cortical dysplasia with other brain malformations 1; Fibrosis of extraocular muscles, congenital, 3A, with or without extraocular involvement. Review status: criteria provided, single submitter. Criteria: ACMG Guidelines, 2015. Collection method: clinical testing. Allele origin: germline. Affected: yes.
Comment: Absent from controls (or at extremely low frequency if recessive) in Genome Aggregation Database, Exome Sequencing Project, 1000 Genomes Project, or Exome Aggregation Consortium.;Missense variant in a gene that has a low rate of benign missense variation and where missense variants are a common mechanism of disease.;The prevalence of the variant in affected individuals is significantly increased compared to the prevalence in controls.;De novo (both maternity and paternity confirmed) in a patient with the disease and no family history.;Patient's phenotype or family history is highly specific for a disease with a single genetic etiology.